The following is an entry in ClinVar:

ClinVar aggregate classification (germline): Uncertain significance (1 of 4 stars; one submission).

Submission:

Labcorp Genetics (formerly Invitae), Labcorp
Classification: Uncertain significance. Last evaluated: 2022-02-09. Review status: criteria provided, single submitter. Criteria: Invitae Variant Classification Sherloc (09022015). Collection method: clinical testing. Allele origin: germline.
Comment: This variant, c.15_20dup, results in the insertion of 2 amino acid(s) of the DENND5A protein (p.Gly8_Gly9dup), but otherwise preserves the integrity of the reading frame. This variant is not present in population databases (gnomAD no frequency). This variant has not been reported in the literature in individuals affected with DENND5A-related conditions. Experimental studies and prediction algorithms are not available or were not evaluated, and the functional significance of this variant is currently unknown. In summary, the available evidence is currently insufficient to determine the role of this variant in disease. Therefore, it has been classified as a Variant of Uncertain Significance.

NM_015213.4(DENND5A):c.9CGG[6] (p.Gly9_Ser10insGlyGly)

Genes: DENND5A (DENN domain containing 5A; minus strand), LOC130005268 (ATAC-STARR-seq lymphoblastoid silent region 3122; plus strand). Cytogenetic location: 11p15.4.
Variant type: Microsatellite.
Coding change: c.9CGG[6] on transcript NM_015213.4 (MANE Select); six copies in a row of the 3-base unit CGG starting at c.9; the reference has four copies in a row; two copies, 6 bases duplicated.
Protein change: p.Gly9_Ser10insGlyGly.
Molecular consequence: inframe insertion. On other transcripts: inframe indel (1), 5 prime UTR variant (1), non-coding transcript variant (1).
Genome position (GRCh38, 1-based): chr11:9,265,050-9,265,055, CCGCCG duplicated on the plus strand (CGGCGG on the coding strand, the reverse complement: DENND5A is on the minus strand); duplicating any 6 consecutive bases within chr11:9,265,050-9,265,063 gives the same sequence; the position shown is the placement nearest the transcript's 3' end. VCF-style (leftmost placement, unchanged base first): chr11-9265049-T-TCCGCCG. GRCh37 (hg19) VCF-style: chr11-9286596-T-TCCGCCG.
Other names: c.9CGG[6], p.Gly9_Ser10insGlyGly (NM_001243254.2, NM_001348749.2); c.7_9GGC[6], p.Gly9_Ser10insGlyGly (NM_001348748.1); c.-316CGG[6] (NM_001348750.2).
Identifiers: ClinVar variation 1909246 (VCV001909246.2), dbSNP rs758910210, ClinGen allele CA2574750722.
Genomic context (GRCh38, chr11:9,265,049, plus strand): 5'-CTCCGTGTCCAGTCCGCAGATGACAAAGTAGTCGGCGAAGCGACTGGGCGCCGAGCCCCC[T>TCCGCCG]CCGCCGCCGCCGCCACTCATGGCGCCGGGGCCGAGACCGGCCGGGCAGTGCGGAGCGGCA-3'